The following is an entry in ClinVar:

ClinVar aggregate classification (germline): Uncertain significance. Review status: criteria provided, multiple submitters, no conflicts (2 of 4 stars). 3 submissions from 3 submitters: Uncertain significance (3). Last evaluated 2024-09-03.

Conditions:
Hereditary cancer-predisposing syndrome. Also called: Neoplastic Syndromes, Hereditary; Tumor predisposition; Hereditary neoplastic syndrome; Hereditary Cancer Syndrome. Identifiers: Orphanet 140162, MedGen C0027672, MeSH D009386, MONDO:0015356.
Hereditary breast ovarian cancer syndrome. Also called: Hereditary breast and ovarian cancer syndrome; Hereditary breast and ovarian cancer; Hereditary breast and ovarian cancer syndrome (HBOC); Breast and ovarian cancer; Hereditary breast and/or ovarian cancer syndrome; BRCA1- and BRCA2-Associated Hereditary Breast and Ovarian Cancer. Identifiers: Orphanet 145, MedGen C0677776, MeSH D061325, MONDO:0003582. Disease mechanism: loss of function.

Allele frequency attached by ClinVar (database versions not stated): gnomAD exomes below 0.00001.
gnomAD v4.1: 1 of 1,614,122 alleles (0.000062%); highest among the groups gnomAD compares: Non-Finnish European, 0.000085%; no homozygotes.

Submissions (3):

Ambry Genetics
Classification: Uncertain significance for Hereditary cancer-predisposing syndrome. Last evaluated: 2024-09-03. Review status: criteria provided, single submitter. Criteria: Ambry Variant Classification Scheme 2023. Collection method: clinical testing. Allele origin: germline.
Comment: The p.C2689Y variant (also known as c.8066G>A), located in coding exon 17 of the BRCA2 gene, results from a G to A substitution at nucleotide position 8066. The cysteine at codon 2689 is replaced by tyrosine, an amino acid with highly dissimilar properties. This amino acid position is highly conserved in available vertebrate species. In addition, this alteration is predicted to be deleterious by in silico analysis. Since supporting evidence is limited at this time, the clinical significance of this alteration remains unclear.

Labcorp Genetics (formerly Invitae), Labcorp
Classification: Uncertain significance for Hereditary breast ovarian cancer syndrome. Last evaluated: 2021-01-27. Review status: criteria provided, single submitter. Criteria: Invitae Variant Classification Sherloc (09022015). Collection method: clinical testing. Allele origin: germline.
Comment: Advanced modeling of protein sequence and biophysical properties (such as structural, functional, and spatial information, amino acid conservation, physicochemical variation, residue mobility, and thermodynamic stability) performed at Invitae indicates that this missense variant is expected to disrupt BRCA2 protein function. In summary, the available evidence is currently insufficient to determine the role of this variant in disease. Therefore, it has been classified as a Variant of Uncertain Significance. This variant has not been reported in the literature in individuals with BRCA2-related conditions. ClinVar contains an entry for this variant (Variation ID: 628268). This variant is not present in population databases (ExAC no frequency). This sequence change replaces cysteine with tyrosine at codon 2689 of the BRCA2 protein (p.Cys2689Tyr). The cysteine residue is highly conserved and there is a large physicochemical difference between cysteine and tyrosine.

Color Diagnostics, LLC DBA Color Health
Classification: Uncertain significance for Hereditary cancer-predisposing syndrome. Last evaluated: 2019-06-02. Review status: criteria provided, single submitter. Criteria: ACMG Guidelines, 2015. Collection method: clinical testing. Allele origin: germline.

NM_000059.4(BRCA2):c.8066G>A (p.Cys2689Tyr)

Gene: BRCA2 (BRCA2 DNA repair associated; plus strand). Cytogenetic location: 13q13.1.
Variant type: single nucleotide variant.
Coding change: c.8066G>A on transcript NM_000059.4 (MANE Select); coding-DNA position 8066, G replaced by A.
Protein change: p.Cys2689Tyr; replaces cysteine 2689 with tyrosine.
Molecular consequence: missense variant.
Genome position (GRCh38, 1-based): chr13:32,363,268, G>A. VCF-style: chr13-32363268-G-A. GRCh37 (hg19) VCF-style: chr13-32937405-G-A.
Other names: short protein forms C2689Y.
Identifiers: ClinVar variation 628268 (VCV000628268.12), dbSNP rs1566245389, ClinGen allele CA387749132.